The following is an entry in ClinVar:

ClinVar aggregate classification (germline): Pathogenic/Likely pathogenic. Review status: criteria provided, multiple submitters, no conflicts (2 of 4 stars). 3 submissions from 3 submitters: Pathogenic (1); Likely pathogenic (1). 1 of the submissions does not count toward it. Last evaluated 2023-01-12.

Conditions:
DHCR7-related disorder. Also called: DHCR7-related condition.
Smith-Lemli-Opitz syndrome (SLOS). Also called: 7-Dehydrocholesterol reductase deficiency; LETHAL ACRODYSGENITAL SYNDROME; POLYDACTYLY, SEX REVERSAL, RENAL HYPOPLASIA, AND UNILOBAR LUNG; RSH SYNDROME; RUTLEDGE LETHAL MULTIPLE CONGENITAL ANOMALY SYNDROME. Identifiers: Orphanet 818, MedGen C0175694, MONDO:0010035, OMIM 270400.

Submissions (3):

PreventionGenetics, part of Exact Sciences
Classification: Likely pathogenic for DHCR7-related condition. Last evaluated: 2023-01-12. Review status: criteria provided, single submitter. Criteria: ACMG Guidelines, 2015. Collection method: clinical testing. Allele origin: germline.
Comment: The DHCR7 c.839A>G variant is predicted to result in the amino acid substitution p.Tyr280Cys. This variant was reported in the compound heterozygous state with a known pathogenic DHCR7 variant (c.964-1G>C) in an individual with Smith-Lemli-Opitz syndrome (SLOS) (Prasad et al. 2002. PubMed ID: 11857552). It was also reported in a study of Canadian SLOS patients, though no additional functional or genetic evidence was provided that could help clarify pathogenicity of the variant (Waye et al. 2002. PubMed ID: 12070263). The p.Tyr280 amino acid is located in a transmembrane domain (Nowaczyk. 2001. PubMed ID: 11453964) and suspected to be disruptive to the DHCR7 protein (Prasad et al. 2002. PubMed ID: 11857552). This variant has not been reported in a large population database, indicating it is rare. Taken together, this variant is interpreted as likely pathogenic.

Labcorp Genetics (formerly Invitae), Labcorp
Classification: Pathogenic for Smith-Lemli-Opitz syndrome. Last evaluated: 2022-12-21. Review status: criteria provided, single submitter. Criteria: Invitae Variant Classification Sherloc (09022015). Collection method: clinical testing. Allele origin: germline.
Comment: ClinVar contains an entry for this variant (Variation ID: 6790). For these reasons, this variant has been classified as Pathogenic. Advanced modeling of protein sequence and biophysical properties (such as structural, functional, and spatial information, amino acid conservation, physicochemical variation, residue mobility, and thermodynamic stability) performed at Invitae indicates that this missense variant is expected to disrupt DHCR7 protein function. This missense change has been observed in individual(s) with Smith-Lemli-Opitz syndrome (PMID: 11857552). In at least one individual the data is consistent with being in trans (on the opposite chromosome) from a pathogenic variant. This variant is not present in population databases (gnomAD no frequency). This sequence change replaces tyrosine, which is neutral and polar, with cysteine, which is neutral and slightly polar, at codon 280 of the DHCR7 protein (p.Tyr280Cys).

OMIM
Classification: Pathogenic for SMITH-LEMLI-OPITZ SYNDROME. Last evaluated: 2002-02-15. Review status: no assertion criteria provided. Collection method: literature only. Allele origin: germline. Not counted in ClinVar's aggregate classification.

Literature cited by the submitters: PubMed 11857552 (cited by Labcorp Genetics (formerly Invitae), Labcorp and OMIM).

NM_001360.3(DHCR7):c.839A>G (p.Tyr280Cys)

Gene: DHCR7 (7-dehydrocholesterol reductase; minus strand). Cytogenetic location: 11q13.4.
Variant type: single nucleotide variant.
Coding change: c.839A>G on transcript NM_001360.3 (MANE Select); coding-DNA position 839, A replaced by G.
Protein change: p.Tyr280Cys; replaces tyrosine 280 with cysteine.
Molecular consequence: missense variant.
Genome position (GRCh38, 1-based): chr11:71,437,936, T>C on the plus strand (A>G on the coding strand, the complement: DHCR7 is on the minus strand). VCF-style: chr11-71437936-T-C. GRCh37 (hg19) VCF-style: chr11-71148982-T-C.
Other names: c.839A>G, p.Tyr280Cys (NM_001163817.2); short protein forms Y280C.
Identifiers: ClinVar variation 6790 (VCV000006790.10), dbSNP rs121909766, ClinGen allele CA253949.